The following is an entry in ClinVar:

ClinVar aggregate classification (germline): Pathogenic/Likely pathogenic. Review status: criteria provided, multiple submitters, no conflicts (2 of 4 stars). 4 submissions from 4 submitters: Pathogenic (2); Likely pathogenic (1). 1 of the submissions does not count toward it. Last evaluated 2025-09-11.

Conditions:
Arginase deficiency. Also called: Arginase 1 Deficiency; ARGININEMIA; ARG1 DEFICIENCY. Identifiers: Orphanet 90, MedGen C0268548, MONDO:0008814, OMIM 207800.

Submissions (4):

Women's Health and Genetics/Laboratory Corporation of America, LabCorp
Classification: Pathogenic for Arginase deficiency. Last evaluated: 2025-09-11. Review status: criteria provided, single submitter. Criteria: LabCorp Variant Classification Summary - May 2015. Collection method: clinical testing. Allele origin: germline.
Comment: Variant summary: ARG1 c.434T>A (p.Val145Glu) results in a non-conservative amino acid change in the encoded protein sequence. Algorithms developed to predict the effect of missense changes on protein structure and function all suggest that this variant is likely to be disruptive. The variant was absent in 250196 control chromosomes (gnomAD). c.434T>A has been observed in multiple individuals who had clinical features of Arginase Deficiency (Elsayed_2020). These data indicate that the variant is very likely to be associated with disease. To our knowledge, no experimental evidence demonstrating an impact on protein function has been reported. The following publication have been ascertained in the context of this evaluation (PMID: 33193012). ClinVar contains an entry for this variant (Variation ID: 916528). Based on the evidence outlined above, the variant was classified as pathogenic.

GeneDx
Classification: Likely pathogenic. Last evaluated: 2025-01-13. Review status: criteria provided, single submitter. Criteria: GeneDx Variant Classification Process June 2021. Collection method: clinical testing. Allele origin: germline. Affected: yes.
Comment: Not observed at significant frequency in large population cohorts (gnomAD); In silico analysis supports that this missense variant has a deleterious effect on protein structure/function; This variant is associated with the following publications: (PMID: 33193012, 39669610)

Labcorp Genetics (formerly Invitae), Labcorp
Classification: Pathogenic for Arginase deficiency. Last evaluated: 2021-11-27. Review status: criteria provided, single submitter. Criteria: Invitae Variant Classification Sherloc (09022015). Collection method: clinical testing. Allele origin: germline.
Comment: This variant is not present in population databases (gnomAD no frequency). This missense change has been observed in individual(s) with arginase deficiency (PMID: 33193012). It has also been observed to segregate with disease in related individuals. This variant is also known as c.458T>A (p.Val153Glu). For these reasons, this variant has been classified as Pathogenic. ClinVar contains an entry for this variant (Variation ID: 916528). Algorithms developed to predict the effect of missense changes on protein structure and function (SIFT, PolyPhen-2, Align-GVGD) all suggest that this variant is likely to be disruptive. This sequence change replaces valine, which is neutral and non-polar, with glutamic acid, which is acidic and polar, at codon 145 of the ARG1 protein (p.Val145Glu).

Department of Biochemistry, Faculty of Medicine, University of Khartoum
Classification: Pathogenic for Arginase deficiency. Review status: no assertion criteria provided. Collection method: research. Allele origin: inherited, unknown. Inheritance: Autosomal recessive inheritance. Affected: yes and no. Observed: 9 variant alleles, 4 heterozygotes, 5 homozygotes. Not counted in ClinVar's aggregate classification.

Literature cited by the submitters: PubMed 33193012 (cited by Women's Health and Genetics/Laboratory Corporation of America, LabCorp and Labcorp Genetics (formerly Invitae), Labcorp).

NM_000045.4(ARG1):c.434T>A (p.Val145Glu)

Genes: ARG1 (arginase 1; plus strand), MED23 (mediator complex subunit 23; minus strand). Cytogenetic location: 6q23.2.
Variant type: single nucleotide variant.
Coding change: c.434T>A on transcript NM_000045.4 (MANE Select); coding-DNA position 434, T replaced by A.
Protein change: p.Val145Glu; replaces valine 145 with glutamic acid.
Molecular consequence: missense variant. On other transcripts: non-coding transcript variant (1), intron variant (3).
Genome position (GRCh38, 1-based): chr6:131,581,347, T>A. VCF-style: chr6-131581347-T-A. GRCh37 (hg19) VCF-style: chr6-131902487-T-A.
Other names: c.458T>A, p.Val153Glu (NM_001244438.2); c.306-1713T>A (NM_001369020.1); c.4077+6362A>T (NM_001270521.2); c.4095+6362A>T (NM_015979.4); short protein forms V145E, V153E.
Identifiers: ClinVar variation 916528 (VCV000916528.12), dbSNP rs1773915383, ClinGen allele CA365651153.
Genomic context (GRCh38, chr6:131,581,347, plus strand): 5'-CTCACACTGATATCAACACTCCACTGACAACCACAAGTGGAAACTTGCATGGACAACCTG[T>A]ATCTTTCCTCCTGAAGGAACTAAAAGGAAAGGTAAAAGACTGGTTGGTACTCTAGTGCAA-3'
Protein context (NP_000036.2, residues 135-155): TTSGNLHGQP[Val145Glu]SFLLKELKGK